The following is an entry in ClinVar:

ClinVar aggregate classification (germline): Uncertain significance (1 of 4 stars; one submission).

Conditions:
Catecholaminergic polymorphic ventricular tachycardia 1. Also called: VENTRICULAR TACHYCARDIA, STRESS-INDUCED POLYMORPHIC 1; VENTRICULAR TACHYCARDIA, CATECHOLAMINERGIC POLYMORPHIC, 1, WITH OR WITHOUT ATRIAL DYSFUNCTION AND/OR DILATED CARDIOMYOPATHY; RYR2-Related Catecholaminergic Polymorphic Ventricular Tachycardia. Identifiers: Orphanet 3286, MedGen C1631597, MONDO:0011484, OMIM 604772.

Submission:

Labcorp Genetics (formerly Invitae), Labcorp
Classification: Uncertain significance for Catecholaminergic polymorphic ventricular tachycardia 1. Last evaluated: 2021-05-09. Review status: criteria provided, single submitter. Criteria: Invitae Variant Classification Sherloc (09022015). Collection method: clinical testing. Allele origin: germline.
Comment: This sequence change replaces glycine with arginine at codon 1750 of the RYR2 protein (p.Gly1750Arg). The glycine residue is highly conserved and there is a moderate physicochemical difference between glycine and arginine. This variant is not present in population databases (ExAC no frequency). In summary, the available evidence is currently insufficient to determine the role of this variant in disease. Therefore, it has been classified as a Variant of Uncertain Significance. Algorithms developed to predict the effect of missense changes on protein structure and function (SIFT, PolyPhen-2, Align-GVGD) all suggest that this variant is likely to be disruptive, but these predictions have not been confirmed by published functional studies and their clinical significance is uncertain. This variant has been observed in individual(s) who suffered sudden death (PMID: 28449774).

Literature cited by the submitters: PubMed 28449774.

NM_001035.3(RYR2):c.5248G>A (p.Gly1750Arg)

Gene: RYR2 (ryanodine receptor 2; plus strand). Cytogenetic location: 1q43.
Variant type: single nucleotide variant.
Coding change: c.5248G>A on transcript NM_001035.3 (MANE Select); coding-DNA position 5248, G replaced by A.
Protein change: p.Gly1750Arg; replaces glycine 1750 with arginine.
Molecular consequence: missense variant.
Genome position (GRCh38, 1-based): chr1:237,614,376, G>A. VCF-style: chr1-237614376-G-A. GRCh37 (hg19) VCF-style: chr1-237777676-G-A.
Other names: short protein forms G1750R.
Identifiers: ClinVar variation 1403384 (VCV001403384.9), dbSNP rs2148595384, ClinGen allele CA345404541.